The following is an entry in ClinVar:

ClinVar aggregate classification (germline): Likely pathogenic. Review status: criteria provided, single submitter (1 of 4 stars). 3 submissions from 3 submitters: Likely pathogenic (1). 2 of the submissions do not count toward it. Last evaluated 2022-11-28.

Conditions:
Jeune thoracic dystrophy. Also called: Jeune syndrome; Infantile thoracic dystrophy; Thoracic pelvic phalangeal dystrophy; Jeune's syndrome; Chondroectodermal dysplasia-like syndrome; Short-rib thoracic dysplasia. Identifiers: Orphanet 474, MedGen C0265275, MONDO:0018770.

Allele frequency attached by ClinVar (database versions not stated): TOPMed below 0.00001.

Submissions (3):

Labcorp Genetics (formerly Invitae), Labcorp
Classification: Likely pathogenic for Jeune thoracic dystrophy. Last evaluated: 2022-11-28. Review status: criteria provided, single submitter. Criteria: Invitae Variant Classification Sherloc (09022015). Collection method: clinical testing. Allele origin: germline.
Comment: In summary, the currently available evidence indicates that the variant is pathogenic, but additional data are needed to prove that conclusively. Therefore, this variant has been classified as Likely Pathogenic. Advanced modeling of protein sequence and biophysical properties (such as structural, functional, and spatial information, amino acid conservation, physicochemical variation, residue mobility, and thermodynamic stability) performed at Invitae indicates that this missense variant is expected to disrupt DYNC2H1 protein function. ClinVar contains an entry for this variant (Variation ID: 446596). This missense change has been observed in individual(s) with DYNC2H1-related conditions (PMID: 29068549). In at least one individual the data is consistent with being in trans (on the opposite chromosome) from a pathogenic variant. This variant is not present in population databases (gnomAD no frequency). This sequence change replaces cysteine, which is neutral and slightly polar, with tyrosine, which is neutral and polar, at codon 1518 of the DYNC2H1 protein (p.Cys1518Tyr).

Dan Cohn Lab, University Of California Los Angeles
Classification: Pathogenic for Asphyxiating thoracic dystrophy. Last evaluated: 2017-06-01. Review status: no assertion criteria provided. Collection method: research. Allele origin: maternal. Affected: yes. Not counted in ClinVar's aggregate classification.

University of Washington Center for Mendelian Genomics, University of Washington
Classification: Likely pathogenic for asphyxiating thoracic dystrophy. Review status: no assertion criteria provided. Collection method: research. Allele origin: inherited. Affected: yes. Not counted in ClinVar's aggregate classification.

Literature cited by the submitters: PubMed 29068549 (cited by 3 submitters).

NM_001377.3(DYNC2H1):c.4553G>A (p.Cys1518Tyr)

Gene: DYNC2H1 (dynein cytoplasmic 2 heavy chain 1; plus strand). Cytogenetic location: 11q22.3.
Variant type: single nucleotide variant.
Coding change: c.4553G>A on transcript NM_001377.3 (MANE Select); coding-DNA position 4553, G replaced by A.
Protein change: p.Cys1518Tyr; replaces cysteine 1518 with tyrosine.
Molecular consequence: missense variant.
Genome position (GRCh38, 1-based): chr11:103,163,089, G>A. VCF-style: chr11-103163089-G-A. GRCh37 (hg19) VCF-style: chr11-103033818-G-A.
Other names: c.4553G>A, p.Cys1518Tyr (NM_001080463.2); short protein forms C1518Y.
Identifiers: ClinVar variation 446596 (VCV000446596.5), dbSNP rs1555053115, ClinGen allele CA382239171.